The following is an entry in ClinVar:

ClinVar aggregate classification (germline): Conflicting classifications of pathogenicity. Review status: criteria provided, conflicting classifications (1 of 4 stars). 5 submissions from 5 submitters: Uncertain significance (4); Likely benign (1). Last evaluated 2025-12-04.

Conditions:
FLNC-related disorder. Also called: FLNC-related condition; FLNC-related disorders.
Hypertrophic cardiomyopathy 26. Also called: Cardiomyopathy, familial hypertrophic, 26. Identifiers: Orphanet 75249, MedGen C4310749, MONDO:0014883, OMIM 617047.
Distal myopathy with posterior leg and anterior hand involvement. Also called: WILLIAMS DISTAL MYOPATHY. Identifiers: Orphanet 63273, MedGen C3279722, MONDO:0013550, OMIM 614065.
Myofibrillar myopathy 5. Also called: Filaminopathy (type); FILAMINOPATHY, AUTOSOMAL DOMINANT. Identifiers: Orphanet 171445, MedGen C1836050, MONDO:0012289, OMIM 609524.
Cardiovascular phenotype. Identifiers: MedGen CN230736.

Allele frequency attached by ClinVar (database versions not stated): gnomAD 0.00001; ExAC 0.00004.
gnomAD v4.1: 21 of 1,613,768 alleles (0.0013%); highest among the groups gnomAD compares: Middle Eastern, 0.016%; no homozygotes.

Submissions (5):

PreventionGenetics, part of Exact Sciences
Classification: Uncertain significance for FLNC-related condition. Last evaluated: 2025-12-04. Review status: criteria provided, single submitter. Criteria: ACMG Guidelines, 2015. Collection method: clinical testing. Allele origin: germline.
Comment: The FLNC c.1433G>A variant is predicted to result in the amino acid substitution p.Arg478His. To our knowledge, this variant has not been reported in the literature. This variant is reported in 0.0057% of alleles in individuals of Latino descent in gnomAD. At this time, the clinical significance of this variant is uncertain due to the absence of conclusive functional and genetic evidence.

Labcorp Genetics (formerly Invitae), Labcorp
Classification: Uncertain significance for Distal myopathy with posterior leg and anterior hand involvement; Myofibrillar myopathy 5; Hypertrophic cardiomyopathy 26. Last evaluated: 2025-11-03. Review status: criteria provided, single submitter. Criteria: Invitae Variant Classification Sherloc (09022015). Collection method: clinical testing. Allele origin: germline.
Comment: This sequence change replaces arginine, which is basic and polar, with histidine, which is basic and polar, at codon 478 of the FLNC protein (p.Arg478His). This variant is present in population databases (rs749593461, gnomAD 0.006%). This variant has not been reported in the literature in individuals affected with FLNC-related conditions. ClinVar contains an entry for this variant (Variation ID: 582784). Invitae Evidence Modeling of protein sequence and biophysical properties (such as structural, functional, and spatial information, amino acid conservation, physicochemical variation, residue mobility, and thermodynamic stability) has been performed for this missense variant. However, the output from this modeling did not meet the statistical confidence thresholds required to predict the impact of this variant on FLNC protein function. In summary, the available evidence is currently insufficient to determine the role of this variant in disease. Therefore, it has been classified as a Variant of Uncertain Significance.

Ambry Genetics
Classification: Uncertain significance for Cardiovascular phenotype. Last evaluated: 2024-12-10. Review status: criteria provided, single submitter. Criteria: Ambry Variant Classification Scheme 2023. Collection method: clinical testing. Allele origin: germline.

Women's Health and Genetics/Laboratory Corporation of America, LabCorp
Classification: Likely benign. Last evaluated: 2024-07-22. Review status: criteria provided, single submitter. Criteria: LabCorp Variant Classification Summary - May 2015. Collection method: clinical testing. Allele origin: germline.
Comment: Variant summary: FLNC c.1433G>A (p.Arg478His) results in a non-conservative amino acid change in the encoded protein sequence. Five of five in-silico tools predict a damaging effect of the variant on protein function. The variant allele was found at a frequency of 1.3e-05 in 1613768 control chromosomes, predominantly at a frequency of 1.4e-05 within the Non-Finnish European subpopulation in the gnomAD database (v4). The observed variant frequency within Non-Finnish European control individuals in the gnomAD database is approximately 2 fold of the estimated maximal expected allele frequency for a pathogenic variant in FLNC causing Dilated Cardiomyopathy phenotype (7.8e-06). To our knowledge, no occurrence of c.1433G>A in individuals affected with Dilated Cardiomyopathy and no experimental evidence demonstrating its impact on protein function have been reported. ClinVar contains an entry for this variant (Variation ID: 582784). Based on the evidence outlined above, the variant was classified as likely benign.

GeneDx
Classification: Uncertain significance. Last evaluated: 2024-04-22. Review status: criteria provided, single submitter. Criteria: GeneDx Variant Classification Process June 2021. Collection method: clinical testing. Allele origin: germline. Affected: yes.
Comment: In silico analysis supports that this missense variant has a deleterious effect on protein structure/function; Has not been previously published as pathogenic or benign in association with FLNC-related disorders to our knowledge; This variant is associated with the following publications: (PMID: 27296017)

NM_001458.5(FLNC):c.1433G>A (p.Arg478His)

Gene: FLNC (filamin C; plus strand). Cytogenetic location: 7q32.1.
Variant type: single nucleotide variant.
Coding change: c.1433G>A on transcript NM_001458.5 (MANE Select); coding-DNA position 1433, G replaced by A.
Protein change: p.Arg478His; replaces arginine 478 with histidine.
Molecular consequence: missense variant.
Genome position (GRCh38, 1-based): chr7:128,840,044, G>A. VCF-style: chr7-128840044-G-A. GRCh37 (hg19) VCF-style: chr7-128480098-G-A.
Other names: c.1433G>A, p.Arg478His (NM_001127487.2); short protein forms R478H.
Identifiers: ClinVar variation 582784 (VCV000582784.14), dbSNP rs749593461, ClinGen allele CA4474346.